The following is an entry in ClinVar:

ClinVar aggregate classification (germline): Uncertain significance. Review status: criteria provided, multiple submitters, no conflicts (2 of 4 stars). 3 submissions from 3 submitters: Uncertain significance (3). Last evaluated 2026-03-23.

Conditions:
MEN1-related disorder. Also called: MEN1-related condition.
Hereditary cancer-predisposing syndrome. Also called: Neoplastic Syndromes, Hereditary; Tumor predisposition; Hereditary Cancer Syndrome; Hereditary neoplastic syndrome. Identifiers: Orphanet 140162, MedGen C0027672, MeSH D009386, MONDO:0015356.
Multiple endocrine neoplasia, type 1 (MEN1). Also called: MEN I; MEA I; WERMER SYNDROME; Endocrine adenomatosis multiple; MEN 1. Identifiers: Orphanet 652, MedGen C0025267, MeSH D018761, MONDO:0007540, OMIM 131100.

Allele frequency attached by ClinVar (database versions not stated): gnomAD exomes below 0.00001.
gnomAD v4.1: 6 of 1,570,002 alleles (0.00038%); highest among the groups gnomAD compares: Non-Finnish European, 0.00052%; no homozygotes.

Submissions (3):

PreventionGenetics, part of Exact Sciences
Classification: Uncertain significance for MEN1-related condition. Last evaluated: 2026-03-23. Review status: criteria provided, single submitter. Criteria: ACMG Guidelines, 2015. Collection method: clinical testing. Allele origin: germline.
Comment: The MEN1 c.-2C>T variant is located in the 5' untranslated region. To our knowledge, this variant has not been reported in the literature or in a large population database (gnomAD), indicating this variant is rare. This variant is interpreted as uncertain in ClinVar (Variation ID: 219693). At this time, the clinical significance of this variant is uncertain due to the absence of conclusive functional and genetic evidence.

Ambry Genetics
Classification: Uncertain significance for Hereditary cancer-predisposing syndrome. Last evaluated: 2024-05-29. Review status: criteria provided, single submitter. Criteria: Ambry Variant Classification Scheme 2023. Collection method: clinical testing. Allele origin: germline.
Comment: The c.-2C>T variant is located in the 5' untranslated region (5&rsquo;UTR) of the MEN1 gene. This variant results from a C to T substitution 2 bases upstream from the first translated codon. This nucleotide position is well conserved in available vertebrate species. Since supporting evidence is limited at this time, the clinical significance of this alteration remains unclear.

Labcorp Genetics (formerly Invitae), Labcorp
Classification: Uncertain significance for Multiple endocrine neoplasia, type 1. Last evaluated: 2015-08-12. Review status: criteria provided, single submitter. Criteria: Invitae Variant Classification Sherloc (09022015). Collection method: clinical testing. Allele origin: germline.
Comment: In summary, this is a novel change with uncertain impact on protein function. There is no indication that this variant causes disease, but the evidence is insufficient at this time to prove that conclusively. Therefore, it has been classified as a Variant of Uncertain Significance. This variant is not present in population databases (rs653534, no frequency) and has not been published in the literature. This sequence change falls in the 5' untranslated region of the MEN1 gene. It does not change the encoded amino acid sequence of the MEN1 protein.

NM_001370259.2(MEN1):c.-2C>T

Gene: MEN1 (menin 1; minus strand). Cytogenetic location: 11q13.1.
Variant type: single nucleotide variant.
Coding change: c.-2C>T on transcript NM_001370259.2 (MANE Select); 2 bases upstream of the start codon, C replaced by T.
Molecular consequence: 5 prime UTR variant. On other transcripts: non-coding transcript variant (4).
Genome position (GRCh38, 1-based): chr11:64,810,111, G>A on the plus strand (C>T on the coding strand, the complement: MEN1 is on the minus strand). VCF-style: chr11-64810111-G-A. GRCh37 (hg19) VCF-style: chr11-64577583-G-A.
Other names: c.-2C>T (NM_001407148.1, NM_001407149.1, NM_001407150.1 and 20 more transcripts).
Identifiers: ClinVar variation 219693 (VCV000219693.11), dbSNP rs653534, ClinGen allele CA350468.